The following is an entry in ClinVar:

ClinVar aggregate classification (germline): Uncertain significance (1 of 4 stars; one submission).

Conditions:
Hereditary cancer-predisposing syndrome. Also called: Neoplastic Syndromes, Hereditary; Tumor predisposition; Hereditary Cancer Syndrome; Hereditary neoplastic syndrome. Identifiers: Orphanet 140162, MedGen C0027672, MeSH D009386, MONDO:0015356.

Submission:

Ambry Genetics
Classification: Uncertain significance for Hereditary cancer-predisposing syndrome. Last evaluated: 2020-08-13. Review status: criteria provided, single submitter. Criteria: Ambry Variant Classification Scheme 2023. Collection method: clinical testing. Allele origin: germline.
Comment: The p.K1178N variant (also known as c.3534A>T), located in coding exon 23 of the ATM gene, results from an A to T substitution at nucleotide position 3534. The lysine at codon 1178 is replaced by asparagine, an amino acid with similar properties. This amino acid position is not well conserved in available vertebrate species. In addition, this alteration is predicted to be tolerated by in silico analysis. Since supporting evidence is limited at this time, the clinical significance of this alteration remains unclear.

NM_000051.4(ATM):c.3534A>T (p.Lys1178Asn)

Gene: ATM (ATM serine/threonine kinase; plus strand). Cytogenetic location: 11q22.3.
Variant type: single nucleotide variant.
Coding change: c.3534A>T on transcript NM_000051.4 (MANE Select); coding-DNA position 3534, A replaced by T.
Protein change: p.Lys1178Asn; replaces lysine 1178 with asparagine.
Molecular consequence: missense variant.
Genome position (GRCh38, 1-based): chr11:108,281,126, A>T. VCF-style: chr11-108281126-A-T. GRCh37 (hg19) VCF-style: chr11-108151853-A-T.
Other names: c.3534A>T, p.Lys1178Asn (NM_001351834.2); short protein forms K1178N.
Identifiers: ClinVar variation 1732386 (VCV001732386.2), dbSNP rs2082212200, ClinGen allele CA382520212.
Genomic context (GRCh38, chr11:108,281,126, plus strand): 5'-AGCTGTGGTTTTATCCTGTAGCCCTATCTGCGAAAAACAGGCTTTGTTTGCCCTGTGTAA[A>T]TCTGTGAAAGAGAATGGATTAGAACCTCACCTTGTGAAAAAGGTATATATGGATGAGTAT-3'
Protein context (NP_000042.3, residues 1168-1188): CEKQALFALC[Lys1178Asn]SVKENGLEPH